The following is an entry in ClinVar:

ClinVar aggregate classification (germline): Uncertain significance. Review status: criteria provided, single submitter (1 of 4 stars). 2 submissions from 2 submitters: Uncertain significance (1). 1 of the submissions does not count toward it. Last evaluated 2021-12-07.

Conditions:
Metaphyseal chondrodysplasia, McKusick type (CHH). Also called: Cartilage-hair hypoplasia; Cartilage-Hair Hypoplasia (CHH). Identifiers: Orphanet 175, MedGen C0220748, MONDO:0009595, OMIM 250250.
Anauxetic dysplasia. Identifiers: Orphanet 93347, MedGen C1846796, MONDO:0011773.

Submissions (2):

Labcorp Genetics (formerly Invitae), Labcorp
Classification: Uncertain significance for Anauxetic dysplasia. Last evaluated: 2021-12-07. Review status: criteria provided, single submitter. Criteria: Invitae Variant Classification Sherloc (09022015). Collection method: clinical testing. Allele origin: germline.
Comment: This variant occurs in the RMRP gene, which encodes an RNA molecule that does not result in a protein product. This variant is not present in population databases (gnomAD no frequency). This variant has been observed in individual(s) with clinical features of cartilage-hair hypoplasia anauxetic dysplasia spectrum disorder (Invitae). In at least one individual the data is consistent with being in trans (on the opposite chromosome) from a pathogenic variant. ClinVar contains an entry for this variant (Variation ID: 558471). Experimental studies and prediction algorithms are not available or were not evaluated, and the functional significance of this variant is currently unknown. In summary, the available evidence is currently insufficient to determine the role of this variant in disease. Therefore, it has been classified as a Variant of Uncertain Significance.

Counsyl
Classification: Uncertain significance for Metaphyseal chondrodysplasia, McKusick type. Last evaluated: 2018-05-23. Review status: no assertion criteria provided. Collection method: clinical testing. Allele origin: unknown. Not counted in ClinVar's aggregate classification.

NR_003051.4(RMRP):n.235_238ACCA[1]

Gene: RMRP (RNA component of mitochondrial RNA processing endoribonuclease; minus strand). Cytogenetic location: 9p13.3.
Variant type: Microsatellite.
Genome position: GRCh38 VCF-style: chr9-35657777-GTGGT-G. GRCh37 (hg19) VCF-style: chr9-35657774-GTGGT-G.
Identifiers: ClinVar variation 558471 (VCV000558471.4), dbSNP rs1554651108, ClinGen allele CA658821576.